The following is an entry in ClinVar:

NM_000238.4(KCNH2):c.71_72insGC (p.Gln25fs)

Gene: KCNH2 (potassium voltage-gated channel subfamily H member 2; minus strand). Cytogenetic location: 7q36.1.
Variant type: Insertion.
Coding change: c.71_72insGC on transcript NM_000238.4 (MANE Select); coding-DNA positions 71 to 72, GC inserted.
Protein change: p.Gln25fs; shifts the reading frame from glutamine 25.
Molecular consequence: frameshift variant. On other transcripts: non-coding transcript variant (1).
Genome position: GRCh38 VCF-style: chr7-150977842-G-GGC. GRCh37 (hg19) VCF-style: chr7-150674930-G-GGC.
Other names: c.71_72insGC, p.Gln25fs (NM_172056.3); short protein forms Q25fs.
Identifiers: ClinVar variation 3236854 (VCV003236854.1), dbSNP rs2486167093.
Genomic context (GRCh38, chr7:150,977,842, plus strand): 5'-AAGAGCTCGGCCCGCCCCCAGAGCCCCCTCCCCGCTCAGCCCCCTCCCCCACTCACTCTG[G>GGC]CCCTCAAACTTGCGGATGATGGTGTCCAGGAAGGTGTTCTGCGGCGCGACGTGGCCCCTC-3'

ClinVar aggregate classification (germline): Pathogenic (1 of 4 stars; one submission).

Conditions:
Long QT syndrome (LQTS). Identifiers: MedGen C0023976, MeSH D008133, MONDO:0002442. Disease mechanism: loss of function. Inheritance: Various modes of inheritance.

Submission:

Human Genome Sequencing Center Clinical Lab, Baylor College of Medicine
Classification: Pathogenic for long QT syndrome. Last evaluated: 2024-01-06. Review status: criteria provided, single submitter. Criteria: ACMG Guidelines, 2015. Collection method: clinical testing. Allele origin: unknown.
Comment: The c.71_72insGC (p.Gln25Profs*36) variant in KCNH2 gene, that encodes for potassium voltage-gated channel subfamily H member 2, creates a premature termination codon that is predicted to lead to absent or truncated protein product. This variant has not been reported in individuals with KCNH2 related conditions in the literature. Loss-of-function variants in KCNH2 are known to be pathogenic (PMID:18774102, 24530480). This variant is absent in the general population database gnomAD. Loss of function variants upstream and downstream of this variant are reported to be pathogenic in individuals with long QT syndrome (PMID: 26132555) and classified as pathogenic by several ClinVar submitters (ClinVar ID: 200715, 692260, 519204). Therefore, the c.71_72insGC (p.Gln25Profs*36) variant in KCNH2 gene is classified as pathogenic.